The following is an entry in ClinVar:

ClinVar aggregate classification (germline): Uncertain significance. Review status: criteria provided, multiple submitters, no conflicts (2 of 4 stars). 3 submissions from 3 submitters: Uncertain significance (3). Last evaluated 2025-04-17.

Conditions:
Inborn genetic diseases. Identifiers: MedGen C0950123, MeSH D030342.

Allele frequency attached by ClinVar (database versions not stated): gnomAD exomes below 0.00001 and 0.00002; TOPMed 0.00002; ExAC 0.00003; gnomAD 0.00003; ESP Exome Variant Server 0.00015.
gnomAD v4.1: 10 of 1,576,364 alleles (0.00063%); highest among the groups gnomAD compares: Middle Eastern, 0.033%; no homozygotes.

Submissions (3):

Ambry Genetics
Classification: Uncertain significance for Inborn genetic diseases. Last evaluated: 2025-04-17. Review status: criteria provided, single submitter. Criteria: Ambry Variant Classification Scheme 2023. Collection method: clinical testing. Allele origin: germline.

GeneDx
Classification: Uncertain significance. Last evaluated: 2022-07-25. Review status: criteria provided, single submitter. Criteria: GeneDx Variant Classification Process June 2021. Collection method: clinical testing. Allele origin: germline. Affected: yes.
Comment: In silico analysis supports that this missense variant does not alter protein structure/function; Has not been previously published as pathogenic or benign to our knowledge

Genomic Diagnostic Laboratory, Division of Genomic Diagnostics, Children's Hospital of Philadelphia
Classification: Uncertain significance. Last evaluated: 2015-03-06. Review status: criteria provided, single submitter. Criteria: DGD Variant Analysis Guidelines. Collection method: clinical testing. Allele origin: unknown.

NM_002076.4(GNS):c.1012A>G (p.Ile338Val)

Gene: GNS (glucosamine (N-acetyl)-6-sulfatase; minus strand). Cytogenetic location: 12q14.3.
Variant type: single nucleotide variant.
Coding change: c.1012A>G on transcript NM_002076.4 (MANE Select); coding-DNA position 1012, A replaced by G.
Protein change: p.Ile338Val; replaces isoleucine 338 with valine.
Molecular consequence: missense variant.
Genome position (GRCh38, 1-based): chr12:64,737,090, T>C on the plus strand (A>G on the coding strand, the complement: GNS is on the minus strand). VCF-style: chr12-64737090-T-C. GRCh37 (hg19) VCF-style: chr12-65130870-T-C.
Other names: short protein forms I338V.
Identifiers: ClinVar variation 218602 (VCV000218602.5), dbSNP rs375533636, ClinGen allele CA249028.